The following is an entry in ClinVar:

ClinVar aggregate classification (germline): Uncertain significance (1 of 4 stars; one submission).

Allele frequency attached by ClinVar (database versions not stated): gnomAD 0.00001; gnomAD exomes 0.00001; TOPMed 0.00002.
gnomAD v4.1: 5 of 1,614,064 alleles (0.00031%); highest among the groups gnomAD compares: Admixed American, 0.0067%; no homozygotes.

Submission:

Labcorp Genetics (formerly Invitae), Labcorp
Classification: Uncertain significance. Last evaluated: 2023-07-27. Review status: criteria provided, single submitter. Criteria: Invitae Variant Classification Sherloc (09022015). Collection method: clinical testing. Allele origin: germline.
Comment: This sequence change replaces histidine, which is basic and polar, with glutamine, which is neutral and polar, at codon 1041 of the HSPG2 protein (p.His1041Gln). This variant is present in population databases (no rsID available, gnomAD 0.009%). This variant has not been reported in the literature in individuals affected with HSPG2-related conditions. An algorithm developed to predict the effect of missense changes on protein structure and function (PolyPhen-2) suggests that this variant is likely to be disruptive. In summary, the available evidence is currently insufficient to determine the role of this variant in disease. Therefore, it has been classified as a Variant of Uncertain Significance.

NM_005529.7(HSPG2):c.3123C>A (p.His1041Gln)

Gene: HSPG2 (heparan sulfate proteoglycan 2; minus strand). Cytogenetic location: 1p36.12.
Variant type: single nucleotide variant.
Coding change: c.3123C>A on transcript NM_005529.7 (MANE Select); coding-DNA position 3123, C replaced by A.
Protein change: p.His1041Gln; replaces histidine 1041 with glutamine.
Molecular consequence: missense variant.
Genome position (GRCh38, 1-based): chr1:21,875,923, G>T on the plus strand (C>A on the coding strand, the complement: HSPG2 is on the minus strand). VCF-style: chr1-21875923-G-T. GRCh37 (hg19) VCF-style: chr1-22202416-G-T.
Other names: c.3126C>A, p.His1042Gln (NM_001291860.2); short protein forms H1041Q, H1042Q.
Identifiers: ClinVar variation 3018393 (VCV003018393.3), dbSNP rs930869157, ClinGen allele CA19146899.
Genomic context (GRCh38, chr1:21,875,923, plus strand): 5'-CTCCCGGAAAGGCACAATGAAGGTGCTGGGCTGGCCGGGGCTGGGCTCCTGGGCCACATG[G>T]TGCTCTAGGATGATGTTGTTACCTTGCAGCACCACCAACGGCTGCCCGTGCAGGGGTGTG-3'
Protein context (NP_005520.4, residues 1031-1051): VLQGNNIILE[His1041Gln]HVAQEPSPGQ